The following is an entry in ClinVar:

ClinVar aggregate classification (germline): Uncertain significance. Review status: criteria provided, multiple submitters, no conflicts (2 of 4 stars). 2 submissions from 2 submitters: Uncertain significance (2). Last evaluated 2023-05-17.

Conditions:
Inborn genetic diseases. Identifiers: MedGen C0950123, MeSH D030342.

Allele frequency attached by ClinVar (database versions not stated): gnomAD exomes 0.00002; gnomAD 0.00003; ExAC 0.00004; TOPMed 0.00005.
gnomAD v4.1: 36 of 1,560,400 alleles (0.0023%); highest among the groups gnomAD compares: Non-Finnish European, 0.00017%; no homozygotes.

Submissions (2):

Ambry Genetics
Classification: Uncertain significance for Inborn genetic diseases. Last evaluated: 2023-05-17. Review status: criteria provided, single submitter. Criteria: Ambry Variant Classification Scheme 2023. Collection method: clinical testing. Allele origin: germline.

Labcorp Genetics (formerly Invitae), Labcorp
Classification: Uncertain significance. Last evaluated: 2022-05-20. Review status: criteria provided, single submitter. Criteria: Invitae Variant Classification Sherloc (09022015). Collection method: clinical testing. Allele origin: germline.
Comment: This sequence change replaces serine, which is neutral and polar, with arginine, which is basic and polar, at codon 1828 of the CAD protein (p.Ser1828Arg). This variant is present in population databases (rs781635063, gnomAD 0.03%). This variant has not been reported in the literature in individuals affected with CAD-related conditions. Algorithms developed to predict the effect of missense changes on protein structure and function (SIFT, PolyPhen-2, Align-GVGD) all suggest that this variant is likely to be tolerated. Algorithms developed to predict the effect of sequence changes on RNA splicing suggest that this variant may disrupt the consensus splice site. In summary, the available evidence is currently insufficient to determine the role of this variant in disease. Therefore, it has been classified as a Variant of Uncertain Significance.

NM_004341.5(CAD):c.5484T>G (p.Ser1828Arg)

Gene: CAD (carbamoyl-phosphate synthetase 2, aspartate transcarbamylase, and dihydroorotase; plus strand). Cytogenetic location: 2p23.3.
Variant type: single nucleotide variant.
Coding change: c.5484T>G on transcript NM_004341.5 (MANE Select); coding-DNA position 5484, T replaced by G.
Protein change: p.Ser1828Arg; replaces serine 1828 with arginine.
Molecular consequence: missense variant.
Genome position (GRCh38, 1-based): chr2:27,239,786, T>G. VCF-style: chr2-27239786-T-G. GRCh37 (hg19) VCF-style: chr2-27462654-T-G.
Other names: c.5295T>G, p.Ser1765Arg (NM_001306079.2); c.5484T>G (NM_004341.3); short protein forms S1765R, S1828R.
Identifiers: ClinVar variation 1913432 (VCV001913432.4), dbSNP rs781635063, ClinGen allele CA1573875.